The following is an entry in ClinVar:

ClinVar aggregate classification (germline): Likely benign (0 of 4 stars; one submission).

Conditions:
MMP1-related disorder. Also called: MMP1-related condition.

Allele frequency attached by ClinVar (database versions not stated): gnomAD exomes 0.00006; TOPMed 0.00006; ExAC 0.00007; gnomAD 0.00007; ESP Exome Variant Server 0.00015.
gnomAD v4.1: 91 of 1,612,626 alleles (0.0056%); highest among the groups gnomAD compares: Non-Finnish European, 0.0072%; no homozygotes.

Submission:

PreventionGenetics, part of Exact Sciences
Classification: Likely benign for MMP1-related condition. Last evaluated: 2020-05-19. Review status: no assertion criteria provided. Collection method: clinical testing. Allele origin: germline.
Comment: This variant is classified as likely benign based on ACMG/AMP sequence variant interpretation guidelines (Richards et al. 2015 PMID: 25741868, with internal and published modifications).

NM_002421.4(MMP1):c.781+7A>G

Gene: MMP1 (matrix metallopeptidase 1; minus strand). Cytogenetic location: 11q22.2.
Variant type: single nucleotide variant.
Coding change: c.781+7A>G on transcript NM_002421.4 (MANE Select); 7 bases into the intron after coding-DNA position 781, A replaced by G.
Molecular consequence: intron variant.
Genome position (GRCh38, 1-based): chr11:102,795,445, T>C on the plus strand (A>G on the coding strand, the complement: MMP1 is on the minus strand). VCF-style: chr11-102795445-T-C. GRCh37 (hg19) VCF-style: chr11-102666176-T-C.
Other names: c.583+7A>G (NM_001145938.2).
Identifiers: ClinVar variation 3035992 (VCV003035992.2), dbSNP rs374421543, ClinGen allele CA6250541.
Genomic context (GRCh38, chr11:102,795,445, plus strand): 5'-CTGTTTTATTTGAAATACATATAAAGACCACCAGGCCCTTGTCCGTAATGTTTTTCCCCA[T>C]ACTCACCATATATGGCTTGGATGCCATCAATGTCATCCTGAGCTAGCTGAACATCACCAC-3'